The following is an entry in ClinVar:

NM_001458.5(FLNC):c.1162G>C (p.Val388Leu)

Gene: FLNC (filamin C; plus strand). Cytogenetic location: 7q32.1.
Variant type: single nucleotide variant.
Coding change: c.1162G>C on transcript NM_001458.5 (MANE Select); coding-DNA position 1162, G replaced by C.
Protein change: p.Val388Leu; replaces valine 388 with leucine.
Molecular consequence: missense variant.
Genome position (GRCh38, 1-based): chr7:128,838,381, G>C. VCF-style: chr7-128838381-G-C. GRCh37 (hg19) VCF-style: chr7-128478435-G-C.
Other names: c.1162G>C, p.Val388Leu (NM_001127487.2); short protein forms V388L.
Identifiers: ClinVar variation 1519550 (VCV001519550.6), dbSNP rs1484540724, ClinGen allele CA369223825.
Genomic context (GRCh38, chr7:128,838,381, plus strand): 5'-GTGGGCATGGCCCTGGGAGATGCCAACAAGGTGTCAGCCCGTGGCCCTGGCCTGGAACCT[G>C]TGGGCAATGTGGCCAACAAACCCACCTACTTTGACATCTACACTGCGGGTAGGACGGGCC-3'
Protein context (NP_001449.3, residues 378-398): VSARGPGLEP[Val388Leu]GNVANKPTYF

ClinVar aggregate classification (germline): Uncertain significance (1 of 4 stars; one submission).

Conditions:
Myofibrillar myopathy 5. Also called: Filaminopathy (type); FILAMINOPATHY, AUTOSOMAL DOMINANT. Identifiers: Orphanet 171445, MedGen C1836050, MONDO:0012289, OMIM 609524.
Hypertrophic cardiomyopathy 26. Also called: Cardiomyopathy, familial hypertrophic, 26. Identifiers: Orphanet 75249, MedGen C4310749, MONDO:0014883, OMIM 617047.
Distal myopathy with posterior leg and anterior hand involvement. Also called: WILLIAMS DISTAL MYOPATHY. Identifiers: Orphanet 63273, MedGen C3279722, MONDO:0013550, OMIM 614065.

Submission:

Labcorp Genetics (formerly Invitae), Labcorp
Classification: Uncertain significance for Distal myopathy with posterior leg and anterior hand involvement; Myofibrillar myopathy 5; Hypertrophic cardiomyopathy 26. Last evaluated: 2024-02-17. Review status: criteria provided, single submitter. Criteria: Invitae Variant Classification Sherloc (09022015). Collection method: clinical testing. Allele origin: germline.
Comment: This sequence change replaces valine, which is neutral and non-polar, with leucine, which is neutral and non-polar, at codon 388 of the FLNC protein (p.Val388Leu). This variant is not present in population databases (gnomAD no frequency). This variant has not been reported in the literature in individuals affected with FLNC-related conditions. ClinVar contains an entry for this variant (Variation ID: 1519550). Advanced modeling of protein sequence and biophysical properties (such as structural, functional, and spatial information, amino acid conservation, physicochemical variation, residue mobility, and thermodynamic stability) has been performed at Invitae for this missense variant, however the output from this modeling did not meet the statistical confidence thresholds required to predict the impact of this variant on FLNC protein function. In summary, the available evidence is currently insufficient to determine the role of this variant in disease. Therefore, it has been classified as a Variant of Uncertain Significance.